The following is an entry in ClinVar:

ClinVar aggregate classification (germline): Conflicting classifications of pathogenicity. Review status: criteria provided, conflicting classifications (1 of 4 stars). 4 submissions from 4 submitters: Uncertain significance (2); Likely benign (1). 1 of the submissions does not count toward it. Last evaluated 2025-12-03.

Conditions:
MCPH1-related disorder. Also called: MCPH1-related condition.
Microcephaly 1, primary, autosomal recessive (MCPH1). Also called: PREMATURE CHROMOSOME CONDENSATION SYNDROME; PCC SYNDROME; PREMATURE CHROMOSOME CONDENSATION WITH MICROCEPHALY AND MENTAL RETARDATION. Identifiers: Orphanet 2512, MedGen C1855081, MONDO:0009617, OMIM 251200.

Allele frequency attached by ClinVar (database versions not stated): gnomAD 0.00006 and 0.00009; TOPMed 0.00020; 1000 Genomes Project 30x 0.00031; 1000 Genomes Project 0.00040.
gnomAD v4.1: 137 of 1,611,782 alleles (0.0085%); highest among the groups gnomAD compares: East Asian, 0.27%; no homozygotes.

Submissions (4):

Labcorp Genetics (formerly Invitae), Labcorp
Classification: Likely benign. Last evaluated: 2025-12-03. Review status: criteria provided, single submitter. Criteria: Invitae Variant Classification Sherloc (09022015). Collection method: clinical testing. Allele origin: germline.

Illumina Laboratory Services, Illumina
Classification: Uncertain significance for Microcephaly 1, primary, autosomal recessive. Last evaluated: 2018-01-12. Review status: criteria provided, single submitter. Criteria: ICSL Variant Classification Criteria 13 December 2019. Collection method: clinical testing. Allele origin: germline.

Eurofins Ntd Llc (ga)
Classification: Uncertain significance. Last evaluated: 2015-05-12. Review status: criteria provided, single submitter. Criteria: EGL Classification Definitions 2015. Collection method: clinical testing. Allele origin: germline. Observed: 1 variant allele, 1 heterozygote.

PreventionGenetics, part of Exact Sciences
Classification: Likely benign for MCPH1-related condition. Last evaluated: 2024-09-05. Review status: no assertion criteria provided. Collection method: clinical testing. Allele origin: germline. Not counted in ClinVar's aggregate classification.
Comment: This variant is classified as likely benign based on ACMG/AMP sequence variant interpretation guidelines (Richards et al. 2015 PMID: 25741868, with internal and published modifications).

NM_024596.5(MCPH1):c.445G>A (p.Val149Ile)

Gene: MCPH1 (microcephalin 1; plus strand). Cytogenetic location: 8p23.1.
Variant type: single nucleotide variant.
Coding change: c.445G>A on transcript NM_024596.5 (MANE Select); coding-DNA position 445, G replaced by A.
Protein change: p.Val149Ile; replaces valine 149 with isoleucine.
Molecular consequence: missense variant. On other transcripts: non-coding transcript variant (1), intron variant (1).
Genome position (GRCh38, 1-based): chr8:6,438,961, G>A. VCF-style: chr8-6438961-G-A. GRCh37 (hg19) VCF-style: chr8-6296482-G-A.
Other names: c.445G>A (NM_001322042.1); c.445G>A, p.Val149Ile (NM_001172574.2, NM_001322042.2, NM_001363979.1 and 1 more transcripts); c.439G>A, p.Val147Ile (NM_001322043.2); c.343G>A, p.Val115Ile (NM_001322045.2); c.436+2799G>A (NM_001172575.2); short protein forms V149I, V115I, V147I.
Identifiers: ClinVar variation 198255 (VCV000198255.17), dbSNP rs201403389, ClinGen allele CA246801.